The following is an entry in ClinVar:

NM_024740.2(ALG9):c.474C>T (p.Tyr158=)

Gene: ALG9 (ALG9 alpha-1,2-mannosyltransferase; minus strand). Cytogenetic location: 11q23.1.
Variant type: single nucleotide variant.
Coding change: c.474C>T on transcript NM_024740.2 (MANE Select); coding-DNA position 474, C replaced by T.
Protein change: p.Tyr158=; no amino-acid change (tyrosine 158 retained).
Molecular consequence: synonymous variant. On other transcripts: non-coding transcript variant (1), 5 prime UTR variant (15).
Genome position (GRCh38, 1-based): chr11:111,865,183, G>A on the plus strand (C>T on the coding strand, the complement: ALG9 is on the minus strand). VCF-style: chr11-111865183-G-A. GRCh37 (hg19) VCF-style: chr11-111735906-G-A.
Other names: c.474C>T, p.Tyr158= (NM_001077690.1, NM_001352417.1, NM_001352418.1); c.-40C>T (NM_001077691.2, NM_001077692.2, NM_001352409.1 and 11 more transcripts); c.-258C>T (NM_001352422.2).
Identifiers: ClinVar variation 512411 (VCV000512411.1), dbSNP rs1555151653, ClinGen allele CA658797794.

ClinVar aggregate classification (germline): Likely benign (1 of 4 stars; one submission).

Submission:

GeneDx
Classification: Likely benign. Last evaluated: 2017-10-16. Review status: criteria provided, single submitter. Criteria: GeneDx Variant Classification (06012015). Collection method: clinical testing. Allele origin: germline. Affected: yes.
Comment: This variant is considered likely benign or benign based on one or more of the following criteria: it is a conservative change, it occurs at a poorly conserved position in the protein, it is predicted to be benign by multiple in silico algorithms, and/or has population frequency not consistent with disease.